The following is an entry in ClinVar:

ClinVar aggregate classification (germline): Uncertain significance. Review status: criteria provided, multiple submitters, no conflicts (2 of 4 stars). 5 submissions from 5 submitters: Uncertain significance (4). 1 of the submissions does not count toward it. Last evaluated 2026-01-01.

Conditions:
PLEC-related disorder. Also called: PLEC-related condition; PLEC-related disorders.
Inborn genetic diseases. Identifiers: MedGen C0950123, MeSH D030342.
Epidermolysis bullosa simplex 5B, with muscular dystrophy (EBS5B). Also called: EPIDERMOLYSIS BULLOSA SIMPLEX AND LIMB-GIRDLE MUSCULAR DYSTROPHY; Epidermolysis bullosa simplex with muscular dystrophy. Identifiers: Orphanet 257, MedGen C2931072, MONDO:0009181, OMIM 226670.
Epidermolysis bullosa simplex with nail dystrophy (EBS5D). Identifiers: MedGen C4225309, MONDO:0014661, OMIM 616487.
Autosomal recessive limb-girdle muscular dystrophy type 2Q (LGMDR17). Also called: MUSCULAR DYSTROPHY, LIMB-GIRDLE, AUTOSOMAL RECESSIVE 17. Identifiers: Orphanet 254361, MedGen C3150989, MONDO:0013390, OMIM 613723.
Epidermolysis bullosa simplex 5C, with pyloric atresia (EBS5C). Also called: PLEC1-Related Epidermolysis Bullosa with Pyloric Atresia; PLEC-Related Epidermolysis Bullosa with Pyloric Atresia; Epidermolysis bullosa simplex with pyloric atresia. Identifiers: Orphanet 158684, MedGen C2677349, MONDO:0012807, OMIM 612138.
Epidermolysis bullosa simplex, Ogna type (EBS5A). Also called: Pidermolysis bullosa simplex 5A, Ogna type; EPIDERMOLYSIS BULLOSA SIMPLEX 5A, OGNA TYPE. Identifiers: Orphanet 79401, MedGen C0432317, MONDO:0007555, OMIM 131950.

Allele frequency attached by ClinVar (database versions not stated): gnomAD 0.00001; ExAC 0.00002; gnomAD exomes 0.00002; TOPMed 0.00003; ESP Exome Variant Server 0.00008.
gnomAD v4.1: 25 of 1,580,312 alleles (0.0016%); highest among the groups gnomAD compares: Middle Eastern, 0.17%; no homozygotes.

Submissions (5):

Labcorp Genetics (formerly Invitae), Labcorp
Classification: Uncertain significance for Autosomal recessive limb-girdle muscular dystrophy type 2Q; Epidermolysis bullosa simplex, Ogna type; Epidermolysis bullosa simplex with nail dystrophy; Epidermolysis bullosa simplex 5C, with pyloric atresia; Epidermolysis bullosa simplex 5B, with muscular dystrophy. Last evaluated: 2026-01-01. Review status: criteria provided, single submitter. Criteria: Invitae Variant Classification Sherloc (09022015). Collection method: clinical testing. Allele origin: germline.
Comment: This sequence change replaces arginine, which is basic and polar, with glutamine, which is neutral and polar, at codon 1189 of the PLEC protein (p.Arg1189Gln). The frequency data for this variant in the population databases is considered unreliable, as metrics indicate poor data quality at this position in the gnomAD database. This variant has not been reported in the literature in individuals affected with PLEC-related conditions. ClinVar contains an entry for this variant (Variation ID: 284248). An algorithm developed to predict the effect of missense changes on protein structure and function outputs the following: PolyPhen-2: "Not Available". The glutamine amino acid residue is found in multiple mammalian species, which suggests that this missense change does not adversely affect protein function. In summary, the available evidence is currently insufficient to determine the role of this variant in disease. Therefore, it has been classified as a Variant of Uncertain Significance.

Revvity Omics, Revvity
Classification: Uncertain significance. Last evaluated: 2022-05-25. Review status: criteria provided, single submitter. Criteria: ACMG Guidelines, 2015. Collection method: clinical testing. Allele origin: germline.

Ambry Genetics
Classification: Uncertain significance for Inborn genetic diseases. Last evaluated: 2021-08-04. Review status: criteria provided, single submitter. Criteria: Ambry Variant Classification Scheme 2023. Collection method: clinical testing. Allele origin: germline.

Eurofins Ntd Llc (ga)
Classification: Uncertain significance. Last evaluated: 2016-07-19. Review status: criteria provided, single submitter. Criteria: EGL Classification Definitions 2015. Collection method: clinical testing. Allele origin: germline. Observed: 1 variant allele.

PreventionGenetics, part of Exact Sciences
Classification: Uncertain significance for PLEC-related condition. Last evaluated: 2024-02-12. Review status: no assertion criteria provided. Collection method: clinical testing. Allele origin: germline. Not counted in ClinVar's aggregate classification.
Comment: The PLEC c.3566G>A variant is predicted to result in the amino acid substitution p.Arg1189Gln. To our knowledge, this variant has not been reported in the literature. This variant is reported in 0.0065% of alleles in individuals of East Asian descent in gnomAD. At this time, the clinical significance of this variant is uncertain due to the absence of conclusive functional and genetic evidence.

NM_201384.3(PLEC):c.3485G>A (p.Arg1162Gln)

Gene: PLEC (plectin; minus strand). Cytogenetic location: 8q24.3.
Variant type: single nucleotide variant.
Coding change: c.3485G>A on transcript NM_201384.3 (MANE Select); coding-DNA position 3485, G replaced by A.
Protein change: p.Arg1162Gln; replaces arginine 1162 with glutamine.
Molecular consequence: missense variant.
Genome position (GRCh38, 1-based): chr8:143,927,681, C>T on the plus strand (G>A on the coding strand, the complement: PLEC is on the minus strand). VCF-style: chr8-143927681-C-T. GRCh37 (hg19) VCF-style: chr8-145001849-C-T.
Other names: c.3566G>A, p.Arg1189Gln (NM_000445.5); c.3443G>A, p.Arg1148Gln (NM_201378.4); c.3419G>A, p.Arg1140Gln (NM_201379.3); c.3896G>A, p.Arg1299Gln (NM_201380.4); c.3389G>A, p.Arg1130Gln (NM_201381.3); c.3485G>A, p.Arg1162Gln (NM_201382.4); c.3497G>A, p.Arg1166Gln (NM_201383.3); c.3566G>A (NM_000445.3); short protein forms R1148Q, R1130Q, R1162Q, R1189Q, R1299Q, R1140Q, R1166Q.
Identifiers: ClinVar variation 284248 (VCV000284248.16), dbSNP rs368280705, ClinGen allele CA4927046.